The following is an entry in ClinVar:

NM_017849.4(TMEM127):c.515C>T (p.Thr172Ile)

Gene: TMEM127 (transmembrane protein 127; minus strand). Cytogenetic location: 2q11.2.
Variant type: single nucleotide variant.
Coding change: c.515C>T on transcript NM_017849.4 (MANE Select); coding-DNA position 515, C replaced by T.
Protein change: p.Thr172Ile; replaces threonine 172 with isoleucine.
Molecular consequence: missense variant.
Genome position (GRCh38, 1-based): chr2:96,254,010, G>A on the plus strand (C>T on the coding strand, the complement: TMEM127 is on the minus strand). VCF-style: chr2-96254010-G-A. GRCh37 (hg19) VCF-style: chr2-96919748-G-A.
Other names: c.515C>T, p.Thr172Ile (NM_001193304.3); c.263C>T, p.Thr88Ile (NM_001407282.1, NM_001407283.1); short protein forms T172I, T88I.
Identifiers: ClinVar variation 1745711 (VCV001745711.5), dbSNP rs2104284617, ClinGen allele CA347652589.

ClinVar aggregate classification (germline): Uncertain significance. Review status: criteria provided, multiple submitters, no conflicts (2 of 4 stars). 2 submissions from 2 submitters: Uncertain significance (2). Last evaluated 2024-11-26.

Conditions:
Hereditary pheochromocytoma and paraganglioma. Also called: Hereditary pheochromocytoma-paraganglioma; Hereditary paragangliomas and pheochromocytomas; Hereditary Paraganglioma-Pheochromocytoma Syndromes. Identifiers: Orphanet 29072, MedGen C4274332, MONDO:0017366.
Hereditary cancer-predisposing syndrome. Also called: Neoplastic Syndromes, Hereditary; Tumor predisposition; Hereditary Cancer Syndrome; Hereditary neoplastic syndrome. Identifiers: Orphanet 140162, MedGen C0027672, MeSH D009386, MONDO:0015356.

gnomAD v4.1: 1 of 1,614,168 alleles (0.000062%); no homozygotes.

Submissions (2):

Ambry Genetics
Classification: Uncertain significance for Hereditary cancer-predisposing syndrome. Last evaluated: 2024-11-26. Review status: criteria provided, single submitter. Criteria: Ambry Variant Classification Scheme 2023. Collection method: clinical testing. Allele origin: germline.
Comment: The p.T172I variant (also known as c.515C>T), located in coding exon 3 of the TMEM127 gene, results from a C to T substitution at nucleotide position 515. The threonine at codon 172 is replaced by isoleucine, an amino acid with similar properties. This amino acid position is conserved. In addition, this alteration is predicted to be deleterious by in silico analysis. Since supporting evidence is limited at this time, the clinical significance of this alteration remains unclear.

Labcorp Genetics (formerly Invitae), Labcorp
Classification: Uncertain significance for Hereditary pheochromocytoma and paraganglioma. Last evaluated: 2022-09-23. Review status: criteria provided, single submitter. Criteria: Invitae Variant Classification Sherloc (09022015). Collection method: clinical testing. Allele origin: germline.
Comment: This sequence change replaces threonine, which is neutral and polar, with isoleucine, which is neutral and non-polar, at codon 172 of the TMEM127 protein (p.Thr172Ile). This variant is not present in population databases (gnomAD no frequency). This variant has not been reported in the literature in individuals affected with TMEM127-related conditions. Algorithms developed to predict the effect of missense changes on protein structure and function (SIFT, PolyPhen-2, Align-GVGD) all suggest that this variant is likely to be disruptive. In summary, the available evidence is currently insufficient to determine the role of this variant in disease. Therefore, it has been classified as a Variant of Uncertain Significance.